The following is an entry in ClinVar:

NM_198428.3(BBS9):c.174A>G (p.Lys58=)

Gene: BBS9 (Bardet-Biedl syndrome 9; plus strand). Cytogenetic location: 7p14.3.
Variant type: single nucleotide variant.
Coding change: c.174A>G on transcript NM_198428.3 (MANE Select); coding-DNA position 174, A replaced by G.
Protein change: p.Lys58=; no amino-acid change (lysine 58 retained).
Molecular consequence: synonymous variant. On other transcripts: 5 prime UTR variant (4), non-coding transcript variant (3), intron variant (2).
Genome position (GRCh38, 1-based): chr7:33,152,762, A>G. VCF-style: chr7-33152762-A-G. GRCh37 (hg19) VCF-style: chr7-33192374-A-G.
Other names: c.174A>G, p.Lys58= (NM_001033604.2, NM_001033605.2, NM_001348036.1 and 5 more transcripts); c.-128A>G (NM_001348037.3, NM_001348045.3); c.-104A>G (NM_001348038.3, NM_001348039.3); c.39A>G, p.Lys13= (NM_001348042.3); c.-39+22721A>G (NM_001348046.3, NM_001348044.3).
Identifiers: ClinVar variation 851231 (VCV000851231.10), dbSNP rs148812031, ClinGen allele CA4213891.

ClinVar aggregate classification (germline): Likely benign. Review status: criteria provided, single submitter (1 of 4 stars). 2 submissions from 2 submitters: Likely benign (1). 1 of the submissions does not count toward it. Last evaluated 2025-09-26.

Conditions:
BBS9-related disorder. Also called: BBS9-related condition.
Bardet-Biedl syndrome (BBS). Identifiers: Orphanet 110, MedGen C0752166, MONDO:0015229.

Allele frequency attached by ClinVar (database versions not stated): gnomAD exomes 0.00002 and 0.00004; ExAC 0.00004; gnomAD 0.00006 and 0.00007; 1000 Genomes Project 30x 0.00031; 1000 Genomes Project 0.00040.
gnomAD v4.1: 41 of 1,613,668 alleles (0.0025%); highest among the groups gnomAD compares: Middle Eastern, 0.017%; no homozygotes.

Submissions (2):

Labcorp Genetics (formerly Invitae), Labcorp
Classification: Likely benign for Bardet-Biedl syndrome. Last evaluated: 2025-09-26. Review status: criteria provided, single submitter. Criteria: Invitae Variant Classification Sherloc (09022015). Collection method: clinical testing. Allele origin: germline.

PreventionGenetics, part of Exact Sciences
Classification: Likely benign for BBS9-related condition. Last evaluated: 2021-06-01. Review status: no assertion criteria provided. Collection method: clinical testing. Allele origin: germline. Not counted in ClinVar's aggregate classification.
Comment: This variant is classified as likely benign based on ACMG/AMP sequence variant interpretation guidelines (Richards et al. 2015 PMID: 25741868, with internal and published modifications).